The following is an entry in ClinVar:

ClinVar aggregate classification (germline): Uncertain significance. Review status: criteria provided, multiple submitters, no conflicts (2 of 4 stars). 2 submissions from 2 submitters: Uncertain significance (2). Last evaluated 2025-10-21.

Conditions:
Methylmalonic acidemia with homocystinuria, type cblJ (MAHCJ). Also called: METHYLMALONIC ACIDURIA AND HOMOCYSTINURIA, cblJ TYPE. Identifiers: Orphanet 369955, MedGen C3553915, MONDO:0013925, OMIM 614857.
Inborn genetic diseases. Identifiers: MedGen C0950123, MeSH D030342.

gnomAD v4.1: 4 of 1,613,362 alleles (0.00025%); highest among the groups gnomAD compares: Non-Finnish European, 0.00034%; no homozygotes.

Submissions (2):

Ambry Genetics
Classification: Uncertain significance for Inborn genetic diseases. Last evaluated: 2025-10-21. Review status: criteria provided, single submitter. Criteria: Ambry Variant Classification Scheme 2023. Collection method: clinical testing. Allele origin: germline.

Labcorp Genetics (formerly Invitae), Labcorp
Classification: Uncertain significance for Methylmalonic acidemia with homocystinuria, type cblJ. Last evaluated: 2022-10-05. Review status: criteria provided, single submitter. Criteria: Invitae Variant Classification Sherloc (09022015). Collection method: clinical testing. Allele origin: germline.
Comment: In summary, the available evidence is currently insufficient to determine the role of this variant in disease. Therefore, it has been classified as a Variant of Uncertain Significance. Advanced modeling of protein sequence and biophysical properties (such as structural, functional, and spatial information, amino acid conservation, physicochemical variation, residue mobility, and thermodynamic stability) performed at Invitae indicates that this missense variant is expected to disrupt ABCD4 protein function. This variant has not been reported in the literature in individuals affected with ABCD4-related conditions. This variant is not present in population databases (gnomAD no frequency). This sequence change replaces glutamine, which is neutral and polar, with lysine, which is basic and polar, at codon 530 of the ABCD4 protein (p.Gln530Lys).

NM_005050.4(ABCD4):c.1588C>A (p.Gln530Lys)

Gene: ABCD4 (ATP binding cassette subfamily D member 4; minus strand). Cytogenetic location: 14q24.3.
Variant type: single nucleotide variant.
Coding change: c.1588C>A on transcript NM_005050.4 (MANE Select); coding-DNA position 1588, C replaced by A.
Protein change: p.Gln530Lys; replaces glutamine 530 with lysine.
Molecular consequence: missense variant. On other transcripts: nonsense (1), non-coding transcript variant (10).
Genome position (GRCh38, 1-based): chr14:74,287,858, G>T on the plus strand (C>A on the coding strand, the complement: ABCD4 is on the minus strand). VCF-style: chr14-74287858-G-T. GRCh37 (hg19) VCF-style: chr14-74754561-G-T.
Other names: c.1123C>A, p.Gln375Lys (NM_001353597.2); c.1111C>A, p.Gln371Lys (NM_001353598.2, NM_001353599.2, NM_001353600.2 and 2 more transcripts); c.799C>A, p.Gln267Lys (NM_001353602.2, NM_001353603.2, NM_001353604.2 and 5 more transcripts); c.855C>A, p.Cys285Ter (NM_001353610.2); c.1459C>A, p.Gln487Lys (NM_020323.1); c.1588C>A, p.Gln530Lys (NM_020325.3); c.1588C>A (NM_005050.3); c.1462C>A, p.Gln488Lys (NM_001353591.2, NM_001353592.2); and 3 more; short protein forms C285*, Q267K, Q371K, Q375K, Q392K, Q426K, Q443K, Q487K.
Identifiers: ClinVar variation 1720355 (VCV001720355.6), dbSNP rs767795583, ClinGen allele CA390378561.